The following is an entry in ClinVar:

NM_000044.6(AR):c.2088C>G (p.Asp696Glu)

Gene: AR (androgen receptor; plus strand). Cytogenetic location: Xq12.
Variant type: single nucleotide variant.
Coding change: c.2088C>G on transcript NM_000044.6 (MANE Select); coding-DNA position 2088, C replaced by G.
Protein change: p.Asp696Glu; replaces aspartic acid 696 with glutamic acid.
Molecular consequence: missense variant.
Genome position (GRCh38, 1-based): chrX:67,711,604, C>G. VCF-style: chrX-67711604-C-G. GRCh37 (hg19) VCF-style: chrX-66931446-C-G.
Other names: c.492C>G, p.Asp164Glu (NM_001011645.3); short protein forms D164E, D696E.
Identifiers: ClinVar variation 4992009 (VCV004992009.1).

ClinVar aggregate classification (germline): Uncertain significance (1 of 4 stars; one submission).

Conditions:
AR-related disorder. Also called: AR-related condition.

Submission:

PreventionGenetics, part of Exact Sciences
Classification: Uncertain significance for AR-related condition. Last evaluated: 2026-08-03. Review status: criteria provided, single submitter. Criteria: ACMG Guidelines, 2015. Collection method: clinical testing. Allele origin: germline.
Comment: The AR c.2088C>G variant is predicted to result in the amino acid substitution p.Asp696Glu. To our knowledge, this variant has not been reported in the literature or in a large population database (gnomAD), indicating this variant is rare. Alternate substitutions at the same amino acid location (p.Asp696Asn, p.Asp696His, p.Asp696Tyr, p.Asp696Val) have been reported in individuals with complete or partial androgen insensitivity syndrome (AIS) (Ris-Stalpers et al. 1991. PubMed ID: 1775137; Audi et al. 2010. PubMed ID: 20150575; Supplementary Table 3, Yu et al. 2021. PubMed ID: 32985417). Functional evidence suggests that variants affecting the p.Arg696 residue may destabilize receptor dimerization and binding (Ris-Stalpers et al. 1991. PubMed ID: 1775137). Although we suspect that the c.2088C>G variant may be pathogenic, at this time, the clinical significance of this variant is uncertain due to the absence of conclusive functional and genetic evidence.